The following is an entry in ClinVar:

NM_001130009.3(GEN1):c.100T>C (p.Trp34Arg)

Gene: GEN1 (GEN1 structure-specific endonuclease; plus strand). Cytogenetic location: 2p24.2.
Variant type: single nucleotide variant.
Coding change: c.100T>C on transcript NM_001130009.3 (MANE Select); coding-DNA position 100, T replaced by C.
Protein change: p.Trp34Arg; replaces tryptophan 34 with arginine.
Molecular consequence: missense variant.
Genome position (GRCh38, 1-based): chr2:17,760,043, T>C. VCF-style: chr2-17760043-T-C. GRCh37 (hg19) VCF-style: chr2-17941310-T-C.
Other names: c.100T>C, p.Trp34Arg (NM_182625.5); short protein forms W34R.
Identifiers: ClinVar variation 4671507 (VCV004671507.1).

ClinVar aggregate classification (germline): Uncertain significance (1 of 4 stars; one submission).

gnomAD v4.1: 1 of 1,614,144 alleles (0.000062%); highest among the groups gnomAD compares: Admixed American, 0.0017%; no homozygotes.

Submission:

Ambry Genetics
Classification: Uncertain significance. Last evaluated: 2025-11-24. Review status: criteria provided, single submitter. Criteria: Ambry Variant Classification Scheme 2023. Collection method: clinical testing. Allele origin: germline.
Comment: The p.W34R variant (also known as c.100T>C), located in coding exon 1 of the GEN1 gene, results from a T to C substitution at nucleotide position 100. The tryptophan at codon 34 is replaced by arginine, an amino acid with dissimilar properties. This amino acid position is conserved. In addition, this alteration is predicted to be deleterious by in silico analysis. Based on the available evidence, the clinical significance of this variant remains unclear.